The following is an entry in ClinVar:

NM_153252.5(BRWD3):c.5117G>A (p.Gly1706Glu)

Gene: BRWD3 (bromodomain and WD repeat domain containing 3; minus strand). Cytogenetic location: Xq21.1.
Variant type: single nucleotide variant.
Coding change: c.5117G>A on transcript NM_153252.5 (MANE Select); coding-DNA position 5117, G replaced by A.
Protein change: p.Gly1706Glu; replaces glycine 1706 with glutamic acid.
Molecular consequence: missense variant.
Genome position (GRCh38, 1-based): chrX:80,676,901, C>T on the plus strand (G>A on the coding strand, the complement: BRWD3 is on the minus strand). VCF-style: chrX-80676901-C-T. GRCh37 (hg19) VCF-style: chrX-79932400-C-T.
Other names: short protein forms G1706E.
Identifiers: ClinVar variation 392941 (VCV000392941.2), dbSNP rs1057524709, ClinGen allele CA16609218.
Genomic context (GRCh38, chrX:80,676,901, plus strand): 5'-GCTCGTTTGGCTCTGGTAGCTCCTCTAGAAGCACCTCTTCCTCCTCTCCCTCTTCCCCTC[C>T]CCCTAGTGCCACCTCCACCTCTTCCTCGACTCCCTCGTCCCCTGCCTCCTCTTCCTCTGC-3'
Protein context (NP_694984.5, residues 1696-1716): SRGRGGGGTR[Gly1706Glu]RGRGRGGRGA

ClinVar aggregate classification (germline): Uncertain significance (1 of 4 stars; one submission).

Submission:

GeneDx
Classification: Uncertain significance. Last evaluated: 2017-11-02. Review status: criteria provided, single submitter. Criteria: GeneDx Variant Classification (06012015). Collection method: clinical testing. Allele origin: germline. Affected: yes.
Comment: The G1706E variant in the BRWD3 gene has not been reported previously as a pathogenic variant, nor as a benign variant, to our knowledge. The G1706E variant was not observed in approximately 6500 individuals of European and African American ancestry in the NHLBI Exome Sequencing Project, indicating it is not a common benign variant in these populations. The G1706E variant is a non-conservative amino acid substitution, which is likely to impact secondary protein structure as these residues differ in polarity, charge, size and/or other properties. This substitution occurs at a position that is conserved across species. In silico analysis is inconsistent in its predictions as to whether or not the variant is damaging to the protein structure/function. We interpret G1706E as a variant of uncertain significance.